The following is an entry in ClinVar:

NM_014915.3(ANKRD26):c.1036A>C (p.Lys346Gln)

Gene: ANKRD26 (ankyrin repeat domain containing 26; minus strand). Cytogenetic location: 10p12.1.
Variant type: single nucleotide variant.
Coding change: c.1036A>C on transcript NM_014915.3 (MANE Select); coding-DNA position 1036, A replaced by C.
Protein change: p.Lys346Gln; replaces lysine 346 with glutamine.
Molecular consequence: missense variant.
Genome position (GRCh38, 1-based): chr10:27,077,379, T>G on the plus strand (A>C on the coding strand, the complement: ANKRD26 is on the minus strand). VCF-style: chr10-27077379-T-G. GRCh37 (hg19) VCF-style: chr10-27366308-T-G.
Other names: c.1036A>C, p.Lys346Gln (NM_001256053.2); short protein forms K346Q.
Identifiers: ClinVar variation 3870865 (VCV003870865.1).

ClinVar aggregate classification (germline): Uncertain significance (1 of 4 stars; one submission).

Conditions:
Inborn genetic diseases. Identifiers: MedGen C0950123, MeSH D030342.

gnomAD v4.1: 2 of 1,613,974 alleles (0.00012%); highest among the groups gnomAD compares: African/African-American, 0.0027%; no homozygotes.

Submission:

Ambry Genetics
Classification: Uncertain significance for Inborn genetic diseases. Last evaluated: 2025-01-30. Review status: criteria provided, single submitter. Criteria: Ambry Variant Classification Scheme 2023. Collection method: clinical testing. Allele origin: germline.
Comment: The p.K346Q variant (also known as c.1036A>C), located in coding exon 9 of the ANKRD26 gene, results from an A to C substitution at nucleotide position 1036. The lysine at codon 346 is replaced by glutamine, an amino acid with similar properties. This amino acid position is conserved. In addition, this alteration is predicted to be tolerated by in silico analysis. Based on the available evidence, the clinical significance of this variant remains unclear.